The following is an entry in ClinVar:

ClinVar aggregate classification (germline): Uncertain significance. Review status: criteria provided, multiple submitters, no conflicts (2 of 4 stars). 2 submissions from 2 submitters: Uncertain significance (2). Last evaluated 2025-11-06.

Conditions:
Atrial fibrillation, familial, 7 (ATFB7). Identifiers: MedGen C2677106, MONDO:0012828, OMIM 612240.
Inborn genetic diseases. Identifiers: MedGen C0950123, MeSH D030342.

Allele frequency attached by ClinVar (database versions not stated): gnomAD exomes 0.00001; TOPMed 0.00004; gnomAD 0.00006 and 0.00008.

Submissions (2):

Labcorp Genetics (formerly Invitae), Labcorp
Classification: Uncertain significance for Atrial fibrillation, familial, 7. Last evaluated: 2025-11-06. Review status: criteria provided, single submitter. Criteria: Invitae Variant Classification Sherloc (09022015). Collection method: clinical testing. Allele origin: germline.
Comment: This sequence change replaces alanine, which is neutral and non-polar, with threonine, which is neutral and polar, at codon 293 of the KCNA5 protein (p.Ala293Thr). This variant is present in population databases (no rsID available, gnomAD 0.03%). This variant has not been reported in the literature in individuals affected with KCNA5-related conditions. ClinVar contains an entry for this variant (Variation ID: 537310). An algorithm developed to predict the effect of missense changes on protein structure and function (PolyPhen-2) suggests that this variant is likely to be tolerated. In summary, the available evidence is currently insufficient to determine the role of this variant in disease. Therefore, it has been classified as a Variant of Uncertain Significance.

Ambry Genetics
Classification: Uncertain significance for Inborn genetic diseases. Last evaluated: 2021-09-16. Review status: criteria provided, single submitter. Criteria: Ambry Variant Classification Scheme 2023. Collection method: clinical testing. Allele origin: germline.

NM_002234.4(KCNA5):c.877G>A (p.Ala293Thr)

Gene: KCNA5 (potassium voltage-gated channel subfamily A member 5; plus strand). Cytogenetic location: 12p13.32.
Variant type: single nucleotide variant.
Coding change: c.877G>A on transcript NM_002234.4 (MANE Select); coding-DNA position 877, G replaced by A.
Protein change: p.Ala293Thr; replaces alanine 293 with threonine.
Molecular consequence: missense variant.
Genome position (GRCh38, 1-based): chr12:5,045,024, G>A. VCF-style: chr12-5045024-G-A. GRCh37 (hg19) VCF-style: chr12-5154190-G-A.
Other names: c.877G>A (NM_002234.2); short protein forms A293T.
Identifiers: ClinVar variation 537310 (VCV000537310.9), dbSNP rs898525645, ClinGen allele CA231868047.